The following is an entry in ClinVar:

ClinVar aggregate classification (germline): Likely pathogenic (1 of 4 stars; one submission).

Submission:

Labcorp Genetics (formerly Invitae), Labcorp
Classification: Likely pathogenic. Last evaluated: 2023-08-20. Review status: criteria provided, single submitter. Criteria: Invitae Variant Classification Sherloc (09022015). Collection method: clinical testing. Allele origin: unknown.
Comment: In summary, the currently available evidence indicates that the variant is pathogenic, but additional data are needed to prove that conclusively. Therefore, this variant has been classified as Likely Pathogenic. This variant has not been reported in the literature in individuals affected with OCA2-related conditions. This variant results in a copy number gain of the genomic region encompassing exon(s) 19-21 of the OCA2 gene. While the exact position of this variant cannot be determined from the data, sub-genic copy number gains are generally in tandem (PMID: 25640679). This variant is predicted to be out-of-frame, and may result in an absent or disrupted protein product. Loss-of-function variants in OCA2 are known to be pathogenic (PMID: 19865097, 21541274).

Literature cited by the submitters: PubMed 25640679; PubMed 19865097; PubMed 21541274.

NC_000015.9:g.(?_28116280)_(28171420_?)dup

Gene: OCA2 (OCA2 melanosomal transmembrane protein; minus strand). Cytogenetic location: 15q13.1.
Variant type: Duplication.
Identifiers: ClinVar variation 3243855 (VCV003243855.1).